The following is an entry in ClinVar:

NM_000334.4(SCN4A):c.1276T>C (p.Phe426Leu)

Gene: SCN4A (sodium voltage-gated channel alpha subunit 4; minus strand). Cytogenetic location: 17q23.3.
Variant type: single nucleotide variant.
Coding change: c.1276T>C on transcript NM_000334.4 (MANE Select); coding-DNA position 1276, T replaced by C.
Protein change: p.Phe426Leu; replaces phenylalanine 426 with leucine.
Molecular consequence: missense variant.
Genome position (GRCh38, 1-based): chr17:63,964,644, A>G on the plus strand (T>C on the coding strand, the complement: SCN4A is on the minus strand). VCF-style: chr17-63964644-A-G. GRCh37 (hg19) VCF-style: chr17-62042004-A-G.
Other names: short protein forms F426L.
Identifiers: ClinVar variation 4532365 (VCV004532365.1).
Genomic context (GRCh38, chr17:63,964,644, plus strand): 5'-CCACGGCCAGGATCAGATTGATGAGGTAGAAAGAGCCCAGGAAGATGATGACCACGAAGA[A>G]GATCATGTAGGTCTTGCCAGCTGCTCGAAGGGTCTGGGAGTGGAGGGAGAGGGAGTGGAG-3'
Protein context (NP_000325.4, residues 416-436): LRAAGKTYMI[Phe426Leu]FVVIIFLGSF

ClinVar aggregate classification (germline): Uncertain significance (1 of 4 stars; one submission).

Submission:

GeneDx
Classification: Uncertain significance. Last evaluated: 2025-11-30. Review status: criteria provided, single submitter. Criteria: GeneDx Variant Classification Process June 2021. Collection method: clinical testing. Allele origin: germline. Affected: yes.
Comment: Not observed at significant frequency in large population cohorts (gnomAD); In silico analysis supports that this missense variant has a deleterious effect on protein structure/function; Has not been previously published as pathogenic or benign to our knowledge